The following is an entry in ClinVar:

ClinVar aggregate classification (germline): Uncertain significance (1 of 4 stars; one submission).

Submission:

GeneDx
Classification: Uncertain significance. Last evaluated: 2025-04-28. Review status: criteria provided, single submitter. Criteria: GeneDx Variant Classification Process June 2021. Collection method: clinical testing. Allele origin: germline. Affected: yes.
Comment: Not observed at significant frequency in large population cohorts (gnomAD); In silico analysis supports that this missense variant has a deleterious effect on protein structure/function; Has not been previously published as pathogenic or benign to our knowledge

NM_138694.4(PKHD1):c.1003G>A (p.Gly335Arg)

Gene: PKHD1 (PKHD1 ciliary IPT domain containing fibrocystin/polyductin; minus strand). Cytogenetic location: 6p12.2.
Variant type: single nucleotide variant.
Coding change: c.1003G>A on transcript NM_138694.4 (MANE Select); coding-DNA position 1003, G replaced by A.
Protein change: p.Gly335Arg; replaces glycine 335 with arginine.
Molecular consequence: missense variant.
Genome position (GRCh38, 1-based): chr6:52,062,634, C>T on the plus strand (G>A on the coding strand, the complement: PKHD1 is on the minus strand). VCF-style: chr6-52062634-C-T. GRCh37 (hg19) VCF-style: chr6-51927432-C-T.
Other names: c.1003G>A, p.Gly335Arg (NM_170724.3); short protein forms G335R.
Identifiers: ClinVar variation 4527411 (VCV004527411.1).